The following is an entry in ClinVar:

NM_015015.3(KDM4B):c.2129A>C (p.Glu710Ala)

Gene: KDM4B (lysine demethylase 4B; plus strand). Cytogenetic location: 19p13.3.
Variant type: single nucleotide variant.
Coding change: c.2129A>C on transcript NM_015015.3 (MANE Select); coding-DNA position 2129, A replaced by C.
Protein change: p.Glu710Ala; replaces glutamic acid 710 with alanine.
Molecular consequence: missense variant.
Genome position (GRCh38, 1-based): chr19:5,135,382, A>C. VCF-style: chr19-5135382-A-C. GRCh37 (hg19) VCF-style: chr19-5135393-A-C.
Other names: c.2129A>C (NM_015015.2); c.2231A>C, p.Glu744Ala (NM_001411148.1); short protein forms E710A, E744A.
Identifiers: ClinVar variation 1676463 (VCV001676463.4), dbSNP rs1397963915, ClinGen allele CA403502595.

ClinVar aggregate classification (germline): Uncertain significance. Review status: criteria provided, multiple submitters, no conflicts (2 of 4 stars). 2 submissions from 2 submitters: Uncertain significance (2). Last evaluated 2025-02-13.

Conditions:
Inborn genetic diseases. Identifiers: MedGen C0950123, MeSH D030342.

gnomAD v4.1: 1 of 1,613,410 alleles (0.000062%); highest among the groups gnomAD compares: Non-Finnish European, 0.000085%; no homozygotes.

Submissions (2):

Ambry Genetics
Classification: Uncertain significance for Inborn genetic diseases. Last evaluated: 2025-02-13. Review status: criteria provided, single submitter. Criteria: Ambry Variant Classification Scheme 2023. Collection method: clinical testing. Allele origin: germline.

Greenwood Genetic Center Diagnostic Laboratories, Greenwood Genetic Center
Classification: Uncertain significance. Last evaluated: 2022-03-03. Review status: criteria provided, single submitter. Criteria: ACMG Guidelines, 2015. Collection method: clinical testing. Allele origin: germline. Affected: yes.
Comment: PM2, BP4, PP2